The following is an entry in ClinVar:

NM_152594.3(SPRED1):c.158A>G (p.Asn53Ser)

Gene: SPRED1 (sprouty related EVH1 domain containing 1; plus strand). Cytogenetic location: 15q14.
Variant type: single nucleotide variant.
Coding change: c.158A>G on transcript NM_152594.3 (MANE Select); coding-DNA position 158, A replaced by G.
Protein change: p.Asn53Ser; replaces asparagine 53 with serine.
Molecular consequence: missense variant.
Genome position (GRCh38, 1-based): chr15:38,299,498, A>G. VCF-style: chr15-38299498-A-G. GRCh37 (hg19) VCF-style: chr15-38591699-A-G.
Other names: short protein forms N53S.
Identifiers: ClinVar variation 4865017 (VCV004865017.1).

ClinVar aggregate classification (germline): Uncertain significance (1 of 4 stars; one submission).

Conditions:
Cardiovascular phenotype. Identifiers: MedGen CN230736.

Submission:

Ambry Genetics
Classification: Uncertain significance for Cardiovascular phenotype. Last evaluated: 2026-04-05. Review status: criteria provided, single submitter. Criteria: Ambry Variant Classification Scheme 2023. Collection method: clinical testing. Allele origin: germline.
Comment: The p.N53S variant (also known as c.158A>G), located in coding exon 2 of the SPRED1 gene, results from an A to G substitution at nucleotide position 158. The asparagine at codon 53 is replaced by serine, an amino acid with highly similar properties. This amino acid position is conserved. In addition, this alteration is predicted to be tolerated by in silico analysis. Based on the available evidence, the clinical significance of this variant remains unclear.